The following is an entry in ClinVar:

NM_000135.4(FANCA):c.1961C>G (p.Thr654Arg)

Gene: FANCA (FA complementation group A; minus strand). Cytogenetic location: 16q24.3.
Variant type: single nucleotide variant.
Coding change: c.1961C>G on transcript NM_000135.4 (MANE Select); coding-DNA position 1961, C replaced by G.
Protein change: p.Thr654Arg; replaces threonine 654 with arginine.
Molecular consequence: missense variant.
Genome position (GRCh38, 1-based): chr16:89,773,324, G>C on the plus strand (C>G on the coding strand, the complement: FANCA is on the minus strand). VCF-style: chr16-89773324-G-C. GRCh37 (hg19) VCF-style: chr16-89839732-G-C.
Other names: c.1961C>G, p.Thr654Arg (NM_001286167.3); short protein forms T654R.
Identifiers: ClinVar variation 4619214 (VCV004619214.1).
Genomic context (GRCh38, chr16:89,773,324, plus strand): 5'-TCCTCACCATCACGCTGGCTGGGGTCTGTCATGGAGGCTCTCAGCTCTCCCAGTGCAGCT[G>C]TGAGCTGTCCCAGGGGCTCCTCAGCAGAGTTGGGTTCTGCCCTCACTCCCAGGGCTGCAT-3'
Protein context (NP_000126.2, residues 644-664): NSAEEPLGQL[Thr654Arg]AALGELRASM

ClinVar aggregate classification (germline): Uncertain significance (1 of 4 stars; one submission).

Conditions:
Inborn genetic diseases. Identifiers: MedGen C0950123, MeSH D030342.

gnomAD v4.1: 1 of 1,551,588 alleles (0.000064%); highest among the groups gnomAD compares: African/African-American, 0.0014%; no homozygotes.

Submission:

Ambry Genetics
Classification: Uncertain significance for Inborn genetic diseases. Last evaluated: 2025-10-22. Review status: criteria provided, single submitter. Criteria: Ambry Variant Classification Scheme 2023. Collection method: clinical testing. Allele origin: germline.
Comment: The p.T654R variant (also known as c.1961C>G), located in coding exon 22 of the FANCA gene, results from a C to G substitution at nucleotide position 1961. The threonine at codon 654 is replaced by arginine, an amino acid with similar properties. This amino acid position is conserved. In addition, this alteration is predicted to be tolerated by in silico analysis. Based on the available evidence, the clinical significance of this variant remains unclear.